The following is an entry in ClinVar:

ClinVar aggregate classification (germline): Uncertain significance. Review status: criteria provided, multiple submitters, no conflicts (2 of 4 stars). 3 submissions from 3 submitters: Uncertain significance (3). Last evaluated 2025-08-07.

Conditions:
COL11A2-related disorder. Also called: COL11A2-related disorders; COL11A2-related condition.

Submissions (3):

Labcorp Genetics (formerly Invitae), Labcorp
Classification: Uncertain significance. Last evaluated: 2025-08-07. Review status: criteria provided, single submitter. Criteria: Invitae Variant Classification Sherloc (09022015). Collection method: clinical testing. Allele origin: germline.
Comment: This variant, c.897_899del, results in the deletion of 1 amino acid(s) of the COL11A2 protein (p.Glu301del), but otherwise preserves the integrity of the reading frame. This variant is present in population databases (no rsID available, gnomAD 0.04%). This variant has not been reported in the literature in individuals affected with COL11A2-related conditions. In summary, the available evidence is currently insufficient to determine the role of this variant in disease. Therefore, it has been classified as a Variant of Uncertain Significance.

PreventionGenetics, part of Exact Sciences
Classification: Uncertain significance for COL11A2-related condition. Last evaluated: 2024-11-21. Review status: criteria provided, single submitter. Criteria: ACMG Guidelines, 2015. Collection method: clinical testing. Allele origin: germline.
Comment: The COL11A2 c.897_899delGGA variant is predicted to result in an in-frame deletion (p.Glu301del). To our knowledge, this variant has not been reported in the literature. This variant is reported in 0.031% of alleles in individuals of East Asian descent in gnomAD. At this time, the clinical significance of this variant is uncertain due to the absence of conclusive functional and genetic evidence.

Blueprint Genetics
Classification: Uncertain significance. Last evaluated: 2024-02-02. Review status: criteria provided, single submitter. Criteria: ACMG Guidelines, 2015. Collection method: clinical testing. Allele origin: germline.

NM_080680.3(COL11A2):c.897_899del (p.Glu301del)

Gene: COL11A2 (collagen type XI alpha 2 chain; minus strand). Cytogenetic location: 6p21.32.
Variant type: Deletion.
Coding change: c.897_899del on transcript NM_080680.3 (MANE Select); coding-DNA positions 897 to 899, 3 bases deleted (GGA; older notation c.897_899delGGA).
Protein change: p.Glu301del; deletes glutamic acid 301.
Molecular consequence: inframe deletion. On other transcripts: intron variant (1).
Genome position (GRCh38, 1-based): chr6:33,185,032-33,185,034, TCC deleted on the plus strand (GGA on the coding strand, the reverse complement: COL11A2 is on the minus strand); deleting any 3 consecutive bases within chr6:33,185,032-33,185,036 gives the same sequence; the c. name uses the placement nearest the transcript's 3' end. VCF-style (leftmost placement, unchanged base first): chr6-33185031-TTCC-T. GRCh37 (hg19) VCF-style: chr6-33152808-TTCC-T.
Other names: c.897_899del, p.Glu301del (NM_001424108.1); c.51_53del, p.Glu19del (NM_001424109.1, NM_001424110.1, NM_001424111.1); c.819_821del, p.Glu275del (NM_080681.3); c.798+1593_798+1595del (NM_080679.3); c.897_899delGGA (NM_080680.2); short protein forms E19del, E275del, E301del.
Identifiers: ClinVar variation 4702967 (VCV004702967.3).